The following is an entry in ClinVar:

NM_000352.6(ABCC8):c.1769del (p.Leu590fs)

Gene: ABCC8 (ATP binding cassette subfamily C member 8; minus strand). Cytogenetic location: 11p15.1.
Variant type: Deletion.
Coding change: c.1769del on transcript NM_000352.6 (MANE Select); coding-DNA position 1769, one base deleted (T; older notation c.1769delT).
Protein change: p.Leu590fs; shifts the reading frame from leucine 590.
Molecular consequence: frameshift variant. On other transcripts: non-coding transcript variant (1).
Genome position (GRCh38, 1-based): chr11:17,430,862, A deleted on the plus strand (T on the coding strand, the reverse complement: ABCC8 is on the minus strand). VCF-style (leftmost placement, unchanged base first): chr11-17430861-CA-C. GRCh37 (hg19) VCF-style: chr11-17452408-CA-C.
Other names: c.1769del, p.Leu590fs (NM_001287174.3, NM_001351295.2); c.1766del, p.Leu589fs (NM_001351296.2, NM_001351297.2); short protein forms L589fs, L590fs.
Identifiers: ClinVar variation 2865286 (VCV002865286.3), dbSNP rs2496688509, ClinGen allele CA2612666251.
Genomic context (GRCh38, chr11:17,430,861, plus strand): 5'-ACCCTCCCCTCACCTCACTAGAGCTTTGACGGTAGATCGGACCACACTGGACAGCAGGAA[CA>C]GCGGTGTGACCAAGATATGGAAGAGGGAGAGGGAGGCAAAGGCCACGGAGGGCGAGAAGT-3'

ClinVar aggregate classification (germline): Pathogenic (1 of 4 stars; one submission).

Allele frequency attached by ClinVar (database versions not stated): gnomAD exomes below 0.00001.

Submission:

Labcorp Genetics (formerly Invitae), Labcorp
Classification: Pathogenic. Last evaluated: 2023-05-17. Review status: criteria provided, single submitter. Criteria: Invitae Variant Classification Sherloc (09022015). Collection method: clinical testing. Allele origin: germline.
Comment: For these reasons, this variant has been classified as Pathogenic. This variant has not been reported in the literature in individuals affected with ABCC8-related conditions. This variant is not present in population databases (gnomAD no frequency). This sequence change creates a premature translational stop signal (p.Leu590Argfs*15) in the ABCC8 gene. It is expected to result in an absent or disrupted protein product. Loss-of-function variants in ABCC8 are known to be pathogenic (PMID: 20685672, 23345197).

Literature cited by the submitters: PubMed 20685672; PubMed 23345197.